The following is an entry in ClinVar:

ClinVar aggregate classification (germline): Conflicting classifications of pathogenicity. Review status: criteria provided, conflicting classifications (1 of 4 stars). 5 submissions from 5 submitters: Uncertain significance (3); Likely benign (1). 1 of the submissions does not count toward it. Last evaluated 2025-01-09.

Conditions:
Hereditary cancer-predisposing syndrome. Also called: Tumor predisposition; Hereditary Cancer Syndrome; Neoplastic Syndromes, Hereditary; Hereditary neoplastic syndrome. Identifiers: Orphanet 140162, MedGen C0027672, MeSH D009386, MONDO:0015356.
Hereditary breast ovarian cancer syndrome. Also called: Breast and ovarian cancer; Hereditary breast and ovarian cancer; Hereditary breast and ovarian cancer syndrome; BRCA1- and BRCA2-Associated Hereditary Breast and Ovarian Cancer; Hereditary breast and ovarian cancer syndrome (HBOC); Hereditary breast and/or ovarian cancer syndrome. Identifiers: Orphanet 145, MedGen C0677776, MeSH D061325, MONDO:0003582. Disease mechanism: loss of function.
Breast-ovarian cancer, familial, susceptibility to, 2 (BROVCA2). Also called: BRCA2 Hereditary Breast and Ovarian Cancer. Identifiers: Orphanet 145, MedGen C2675520, MONDO:0012933, OMIM 612555. Disease mechanism: loss of function.

Submissions (5):

Ambry Genetics
Classification: Uncertain significance for Hereditary cancer-predisposing syndrome. Last evaluated: 2025-01-09. Review status: criteria provided, single submitter. Criteria: Ambry Variant Classification Scheme 2023. Collection method: clinical testing. Allele origin: germline.
Comment: The p.H2324R variant (also known as c.6971A>G), located in coding exon 12 of the BRCA2 gene, results from an A to G substitution at nucleotide position 6971. The histidine at codon 2324 is replaced by arginine, an amino acid with highly similar properties. This amino acid position is well conserved in available vertebrate species. In addition, the in silico prediction for this alteration is inconclusive. Based on the available evidence, the clinical significance of this variant remains unclear.

All of Us Research Program, National Institutes of Health
Classification: Uncertain significance for Breast-ovarian cancer, familial, susceptibility to, 2. Last evaluated: 2024-01-11. Review status: criteria provided, single submitter. Criteria: ACMG Guidelines, 2015. Collection method: clinical testing. Allele origin: germline. Inheritance: Autosomal dominant inheritance. Observed: 1 variant allele, 1 heterozygote.
Comment: This missense variant replaces histidine with arginine at codon 2324 of the BRCA2 protein. Computational prediction is inconclusive regarding the impact of this variant on protein structure and function (internally defined REVEL score threshold 0.5 < inconclusive < 0.7, PMID: 27666373). To our knowledge, functional studies have not been reported for this variant. This variant has not been reported in an individual affected with breast cancer (PMID: 33471991; Leiden Open Variation Database DB-ID BRCA2_008548). This variant has been identified in 1/250320 chromosomes in the general population by the Genome Aggregation Database (gnomAD). The available evidence is insufficient to determine the role of this variant in disease conclusively. Therefore, this variant is classified as a Variant of Uncertain Significance.

This study involves interpretation of variants in research participants for the purpose of population health screening. Participant phenotype was not available at the time of variant classification. Additional details can be found in publication PMID: 35346344, PMCID: PMC8962531

Labcorp Genetics (formerly Invitae), Labcorp
Classification: Uncertain significance for Hereditary breast ovarian cancer syndrome. Last evaluated: 2023-07-20. Review status: criteria provided, single submitter. Criteria: Invitae Variant Classification Sherloc (09022015). Collection method: clinical testing. Allele origin: germline.
Comment: In summary, the available evidence is currently insufficient to determine the role of this variant in disease. Therefore, it has been classified as a Variant of Uncertain Significance. Advanced modeling of protein sequence and biophysical properties (such as structural, functional, and spatial information, amino acid conservation, physicochemical variation, residue mobility, and thermodynamic stability) performed at Invitae indicates that this missense variant is not expected to disrupt BRCA2 protein function. ClinVar contains an entry for this variant (Variation ID: 91467). This variant has not been reported in the literature in individuals affected with BRCA2-related conditions. This variant is present in population databases (rs398122574, gnomAD 0.007%). This sequence change replaces histidine, which is basic and polar, with arginine, which is basic and polar, at codon 2324 of the BRCA2 protein (p.His2324Arg).

Myriad Genetics, Inc.
Classification: Likely benign for Breast-ovarian cancer, familial, susceptibility to, 2. Last evaluated: 2023-06-02. Review status: criteria provided, single submitter. Criteria: Myriad Autosomal Dominant, Autosomal Recessive and X-Linked Classification Criteria (2023). Collection method: clinical testing. Allele origin: unknown.
Comment: This variant is considered likely benign. This variant is strongly associated with less severe personal and family histories of cancer, typical for individuals without pathogenic variants in this gene [PMID: 25085752].

Sharing Clinical Reports Project (SCRP)
Classification: Uncertain significance for Breast-ovarian cancer, familial 2. Last evaluated: 2012-12-28. Review status: no assertion criteria provided. Collection method: clinical testing. Allele origin: germline. Not counted in ClinVar's aggregate classification.

Literature cited by the submitters: PubMed 33471991 (cited by All of Us Research Program, National Institutes of Health); PubMed 25085752 (cited by Myriad Genetics, Inc.).

NM_000059.4(BRCA2):c.6971A>G (p.His2324Arg)

Gene: BRCA2 (BRCA2 DNA repair associated; plus strand). Cytogenetic location: 13q13.1.
Variant type: single nucleotide variant.
Coding change: c.6971A>G on transcript NM_000059.4 (MANE Select); coding-DNA position 6971, A replaced by G.
Protein change: p.His2324Arg; replaces histidine 2324 with arginine.
Molecular consequence: missense variant.
Genome position (GRCh38, 1-based): chr13:32,346,860, A>G. VCF-style: chr13-32346860-A-G. GRCh37 (hg19) VCF-style: chr13-32920997-A-G.
Other names: 7199A>G; short protein forms H2324R.
Identifiers: ClinVar variation 91467 (VCV000091467.14), dbSNP rs398122574, ClinGen allele CA024657.
Genomic context (GRCh38, chr13:32,346,860, plus strand): 5'-ATGTAATATAAAATAATTGTTTCCTAGGCACAATAAAAGATCGAAGATTGTTTATGCATC[A>G]TGTTTCTTTAGAGCCGATTACCTGTGTACCCTTTCGGTAAGACATGTTTAAATTTTTCTA-3'
Protein context (NP_000050.3, residues 2314-2334): TIKDRRLFMH[His2324Arg]VSLEPITCVP